The following is an entry in ClinVar:

NM_025074.7(FRAS1):c.9627C>T (p.Tyr3209=)

Gene: FRAS1 (Fraser extracellular matrix complex subunit 1; plus strand). Cytogenetic location: 4q21.21.
Variant type: single nucleotide variant.
Coding change: c.9627C>T on transcript NM_025074.7 (MANE Select); coding-DNA position 9627, C replaced by T.
Protein change: p.Tyr3209=; no amino-acid change (tyrosine 3209 retained).
Molecular consequence: synonymous variant.
Genome position (GRCh38, 1-based): chr4:78,508,853, C>T. VCF-style: chr4-78508853-C-T. GRCh37 (hg19) VCF-style: chr4-79430007-C-T.
Identifiers: ClinVar variation 288262 (VCV000288262.44), dbSNP rs377369857, ClinGen allele CA2978715.
Genomic context (GRCh38, chr4:78,508,853, plus strand): 5'-CCCCTCCCCAGGCTACCCACTGGTCTGTGTCACCCCCTGCGACCCTCATTTCCCCAGATA[C>T]GCTGTCATGAAGGAGCGCTGCAGTGAGGCCGGCATCAACCAGACATCTGTGCAGTTCAGC-3'
Protein context (NP_079350.5, residues 3199-3219): VTPCDPHFPR[Tyr3209=]AVMKERCSEA

ClinVar aggregate classification (germline): Conflicting classifications of pathogenicity. Review status: criteria provided, conflicting classifications (1 of 4 stars). 6 submissions from 6 submitters: Uncertain significance (2); Benign (1); Likely benign (2). 1 of the submissions does not count toward it. Last evaluated 2026-01-28.

Conditions:
FRAS1-related disorder. Also called: FRAS1-related condition.
Fraser syndrome 1 (FRASRS1). Also called: CRYPTOPHTHALMOS WITH OTHER MALFORMATIONS. Identifiers: Orphanet 2052, MedGen C4551480, MONDO:0054737, OMIM 219000.

Allele frequency attached by ClinVar (database versions not stated): gnomAD 0.00035 and 0.00036; TOPMed 0.00042; ExAC 0.00060; gnomAD exomes 0.00063; 1000 Genomes Project 30x 0.00078; 1000 Genomes Project 0.00080.
gnomAD v4.1: 358 of 1,613,848 alleles (0.022%); highest among the groups gnomAD compares: East Asian, 0.43%; 5 homozygotes.

Submissions (6):

Labcorp Genetics (formerly Invitae), Labcorp
Classification: Benign. Last evaluated: 2026-01-28. Review status: criteria provided, single submitter. Criteria: Invitae Variant Classification Sherloc (09022015). Collection method: clinical testing. Allele origin: germline.

CeGaT Center for Human Genetics Tuebingen
Classification: Likely benign. Last evaluated: 2025-11-01. Review status: criteria provided, single submitter. Criteria: CeGaT Center For Human Genetics Tuebingen Variant Classification Criteria Version 2. Collection method: clinical testing. Allele origin: germline. Affected: yes. Observed: 2 variant alleles.
Comment: FRAS1: BP4, BP7

Blueprint Genetics
Classification: Likely benign. Last evaluated: 2024-11-26. Review status: criteria provided, single submitter. Criteria: ACMG Guidelines, 2015. Collection method: clinical testing. Allele origin: germline.

Illumina Laboratory Services, Illumina
Classification: Uncertain significance for Fraser syndrome 1. Last evaluated: 2017-04-27. Review status: criteria provided, single submitter. Criteria: ICSL Variant Classification Criteria 13 December 2019. Collection method: clinical testing. Allele origin: germline.

Eurofins Ntd Llc (ga)
Classification: Uncertain significance. Last evaluated: 2016-05-23. Review status: criteria provided, single submitter. Criteria: EGL Classification Definitions 2015. Collection method: clinical testing. Allele origin: germline. Observed: 1 variant allele, 1 heterozygote.

PreventionGenetics, part of Exact Sciences
Classification: Benign for FRAS1-related condition. Last evaluated: 2019-05-02. Review status: no assertion criteria provided. Collection method: clinical testing. Allele origin: germline. Not counted in ClinVar's aggregate classification.
Comment: This variant is classified as benign based on ACMG/AMP sequence variant interpretation guidelines (Richards et al. 2015 PMID: 25741868, with internal and published modifications).